The following is an entry in ClinVar:

NM_004409.5(DMPK):c.*224CTG[160]

Genes: DM1-AS (DM1 locus antisense RNA; plus strand), DMPK (DM1 protein kinase; minus strand), LOC107075317 (origin of replication in DMPK trinucleotide repeat region; plus strand), LOC109461477 (dystrophia myotonica protein kinase repeat instability region; plus strand). Cytogenetic location: 19q13.32.
Variant type: Microsatellite.
Coding change: c.*224CTG[160] on transcript NM_004409.5 (MANE Select); 160 copies in a row of the 3-base unit CTG starting at c.*224.
Molecular consequence: 3 prime UTR variant.
Genome position: GRCh38, VCF-style position (the base before the change): chr19:45,770,204. GRCh37 (hg19), VCF-style position (the base before the change): chr19:46,273,462.
Other names: DM1 CTG repeat expansion; c.*224CTG[160] (NM_001081560.3, NM_001288764.2, NM_001424165.1 and 1 more transcripts); c.*217CTG[160] (NM_001081562.3, NM_001288765.2, NM_001424162.1 and 2 more transcripts); c.*222_*224TGC[160] (NM_001081563.3); c.*369CTG[160] (NM_001288766.2, NM_001424164.1, NM_001424168.1).
Identifiers: ClinVar variation 187927 (VCV000187927.2), ClinGen allele CA915951723.

ClinVar aggregate classification (germline): Pathogenic (0 of 4 stars; one submission).

Conditions:
Steinert myotonic dystrophy syndrome (DM1). Also called: STEINERT DISEASE; Myotonic dystrophy type 1; Dystrophia myotonica type 1; Steinert myotonic dystrophy; Steinert's disease. Identifiers: Orphanet 273, MedGen C3250443, MONDO:0008056, OMIM 160900.

Submission:

Institute of Molecular, Cell and Systems Biology, University of Glasgow
Classification: Pathogenic for Steinert myotonic dystrophy syndrome. Review status: no assertion criteria provided. Criteria: research. Collection method: research. Allele origin: germline. Inheritance: Autosomal dominant inheritance. Affected: yes. Observed: 2 heterozygotes.
Comment: DMPK CTG repeat expansions greater than approximately 45-50 repeats are assumed to be pathogenic

This record is based on data published in PubMed 25052313, which reports only ClinVar accessions SCV000120188 and SCV000120189. The complete data set includes SCV000207445 - SCV000207579.

Literature cited by the submitters: PubMed 1346923; PubMed 1546326; PubMed 25052313.